The following is an entry in ClinVar:

ClinVar aggregate classification (germline): Likely pathogenic (1 of 4 stars; one submission).

Conditions:
Breast-ovarian cancer, familial, susceptibility to, 4. Identifiers: Orphanet 145, MedGen C3280345, MONDO:0013669, OMIM 614291.

Submission:

Labcorp Genetics (formerly Invitae), Labcorp
Classification: Likely pathogenic for Breast-ovarian cancer, familial, susceptibility to, 4. Last evaluated: 2024-10-08. Review status: criteria provided, single submitter. Criteria: Invitae Variant Classification Sherloc (09022015). Collection method: clinical testing. Allele origin: germline.
Comment: This sequence change creates a premature translational stop signal (p.Gly285Glufs*25) in the RAD51D gene. While this is not anticipated to result in nonsense mediated decay, it is expected to disrupt the last 44 amino acid(s) of the RAD51D protein. This variant is not present in population databases (gnomAD no frequency). This variant has not been reported in the literature in individuals affected with RAD51D-related conditions. ClinVar contains an entry for this variant (Variation ID: 662966). This variant disrupts the ATPase domain and RAD51C interaction domain of the RAD51D protein, which are necessary for the DNA repair activity (PMID: 14704354, 19327148, 21111057, 10749867). While functional studies have not been performed to directly test the effect of this variant on RAD51D protein function, this suggests that disruption of this region of the protein is causative of disease. In summary, the currently available evidence indicates that the variant is pathogenic, but additional data are needed to prove that conclusively. Therefore, this variant has been classified as Likely Pathogenic.

Literature cited by the submitters: PubMed 14704354; PubMed 19327148; PubMed 21111057; PubMed 10749867.

NM_002878.4(RAD51D):c.854del (p.Gly285fs)

Genes: RAD51L3-RFFL (RAD51L3-RFFL readthrough; minus strand), RAD51D (RAD51 paralog D; minus strand). Cytogenetic location: 17q12.
Variant type: Deletion.
Coding change: c.854del on transcript NM_002878.4 (MANE Select); coding-DNA position 854, one base deleted (G; older notation c.854delG).
Protein change: p.Gly285fs; shifts the reading frame from glycine 285.
Molecular consequence: frameshift variant. On other transcripts: non-coding transcript variant (3).
Genome position (GRCh38, 1-based): chr17:35,101,250, C deleted on the plus strand (G on the coding strand, the reverse complement: RAD51D is on the minus strand); the first of 2 consecutive C bases (chr17:35,101,250-35,101,251); deleting either gives the same sequence. VCF-style (leftmost placement, unchanged base first): chr17-35101249-TC-T. GRCh37 (hg19) VCF-style: chr17-33428268-TC-T.
Other names: c.914del, p.Gly305fs (NM_001142571.2); c.518del, p.Gly173fs (NM_133629.3); c.854delG (NM_002878.3); short protein forms G285fs, G173fs, G305fs.
Identifiers: ClinVar variation 662966 (VCV000662966.5), dbSNP rs1597855883, ClinGen allele CA915949973.